The following is an entry in ClinVar:

NM_001023.4(RPS20):c.181_182del (p.Leu61fs)

Gene: RPS20 (ribosomal protein S20; minus strand). Cytogenetic location: 8q12.1.
Variant type: Deletion.
Coding change: c.181_182del on transcript NM_001023.4 (MANE Select); coding-DNA positions 181 to 182, 2 bases deleted (TT; older notation c.181_182delTT).
Protein change: p.Leu61fs; shifts the reading frame from leucine 61.
Molecular consequence: frameshift variant.
Genome position (GRCh38, 1-based): chr8:56,073,268-56,073,269, AA deleted on the plus strand (TT on the coding strand, the reverse complement: RPS20 is on the minus strand); deleting any 2 consecutive bases within chr8:56,073,268-56,073,270 gives the same sequence; the c. name uses the placement nearest the transcript's 3' end. VCF-style (leftmost placement, unchanged base first): chr8-56073267-CAA-C. GRCh37 (hg19) VCF-style: chr8-56985826-CAA-C.
Other names: c.181_182del, p.Leu61fs (NM_001146227.3); short protein forms L61fs.
Identifiers: ClinVar variation 1780567 (VCV001780567.2), dbSNP rs2486982174, ClinGen allele CA2580078406.

ClinVar aggregate classification (germline): Uncertain significance (1 of 4 stars; one submission).

Submission:

Ambry Genetics
Classification: Uncertain significance. Last evaluated: 2020-02-04. Review status: criteria provided, single submitter. Criteria: Ambry Variant Classification Scheme 2023. Collection method: clinical testing. Allele origin: germline.
Comment: The c.181_182delTT variant, located in coding exon 4 of the RPS20 gene, results from a deletion of two nucleotides at nucleotide positions 181 to 182, causing a translational frameshift with a predicted alternate stop codon. This alteration is expected to result in loss of function by premature protein truncation or nonsense-mediated mRNA decay. However, loss of function of RPS20 has not been clearly established as a mechanism of disease. Since supporting evidence is limited at this time, the clinical significance of this alteration remains unclear.